The following is an entry in ClinVar:

ClinVar aggregate classification (germline): Conflicting classifications of pathogenicity. Review status: criteria provided, conflicting classifications (1 of 4 stars). 4 submissions from 4 submitters: Uncertain significance (2); Likely benign (2). Last evaluated 2024-08-05.

Conditions:
Inborn genetic diseases. Identifiers: MedGen C0950123, MeSH D030342.
Luscan-Lumish syndrome. Identifiers: Orphanet 597738, MedGen C4085873, MONDO:0014791, OMIM 616831.

Allele frequency attached by ClinVar (database versions not stated): gnomAD exomes 0.00001 and 0.00002; ExAC 0.00002; ESP Exome Variant Server 0.00008; gnomAD 0.00015 and 0.00017; TOPMed 0.00015; 1000 Genomes Project 0.00020; 1000 Genomes Project 30x 0.00031.
gnomAD v4.1: 44 of 1,614,050 alleles (0.0027%); highest among the groups gnomAD compares: African/African-American, 0.055%; no homozygotes.

Submissions (4):

Ambry Genetics
Classification: Likely benign for Inborn genetic diseases. Last evaluated: 2024-08-05. Review status: criteria provided, single submitter. Criteria: Ambry Variant Classification Scheme 2023. Collection method: clinical testing. Allele origin: germline.

Revvity Omics, Revvity
Classification: Uncertain significance. Last evaluated: 2023-04-04. Review status: criteria provided, single submitter. Criteria: ACMG Guidelines, 2015. Collection method: clinical testing. Allele origin: germline.

Labcorp Genetics (formerly Invitae), Labcorp
Classification: Uncertain significance for Luscan-Lumish syndrome. Last evaluated: 2022-09-07. Review status: criteria provided, single submitter. Criteria: Invitae Variant Classification Sherloc (09022015). Collection method: clinical testing. Allele origin: germline.
Comment: This sequence change replaces glycine, which is neutral and non-polar, with arginine, which is basic and polar, at codon 678 of the SETD2 protein (p.Gly678Arg). This variant is present in population databases (rs145499611, gnomAD 0.02%). This variant has not been reported in the literature in individuals affected with SETD2-related conditions. ClinVar contains an entry for this variant (Variation ID: 653452). Algorithms developed to predict the effect of missense changes on protein structure and function are either unavailable or do not agree on the potential impact of this missense change (SIFT: "Tolerated"; PolyPhen-2: "Possibly Damaging"; Align-GVGD: "Class C0"). Algorithms developed to predict the effect of sequence changes on RNA splicing suggest that this variant may create or strengthen a splice site. In summary, the available evidence is currently insufficient to determine the role of this variant in disease. Therefore, it has been classified as a Variant of Uncertain Significance.

Blueprint Genetics
Classification: Likely benign. Last evaluated: 2019-09-27. Review status: criteria provided, single submitter. Criteria: ACMG Guidelines, 2015. Collection method: clinical testing. Allele origin: germline.

NM_014159.7(SETD2):c.2032G>A (p.Gly678Arg)

Gene: SETD2 (SET domain containing 2, histone lysine methyltransferase; minus strand). Cytogenetic location: 3p21.31.
Variant type: single nucleotide variant.
Coding change: c.2032G>A on transcript NM_014159.7 (MANE Select); coding-DNA position 2032, G replaced by A.
Protein change: p.Gly678Arg; replaces glycine 678 with arginine.
Molecular consequence: missense variant. On other transcripts: non-coding transcript variant (1).
Genome position (GRCh38, 1-based): chr3:47,122,604, C>T on the plus strand (G>A on the coding strand, the complement: SETD2 is on the minus strand). VCF-style: chr3-47122604-C-T. GRCh37 (hg19) VCF-style: chr3-47164094-C-T.
Other names: c.1900G>A, p.Gly634Arg (NM_001349370.3); short protein forms G678R, G634R.
Identifiers: ClinVar variation 653452 (VCV000653452.8), dbSNP rs145499611, ClinGen allele CA2363595.